The following is an entry in ClinVar:

ClinVar aggregate classification (germline): Uncertain significance (1 of 4 stars; one submission).

Allele frequency attached by ClinVar (database versions not stated): gnomAD exomes below 0.00001.
gnomAD v4.1: 1 of 1,613,540 alleles (0.000062%); highest among the groups gnomAD compares: Non-Finnish European, 0.000085%; no homozygotes.

Submission:

Labcorp Genetics (formerly Invitae), Labcorp
Classification: Uncertain significance. Last evaluated: 2023-08-04. Review status: criteria provided, single submitter. Criteria: Invitae Variant Classification Sherloc (09022015). Collection method: clinical testing. Allele origin: germline.
Comment: This sequence change replaces serine, which is neutral and polar, with phenylalanine, which is neutral and non-polar, at codon 373 of the EPS8L2 protein (p.Ser373Phe). This variant is not present in population databases (gnomAD no frequency). This variant has not been reported in the literature in individuals affected with EPS8L2-related conditions. An algorithm developed to predict the effect of missense changes on protein structure and function (PolyPhen-2) suggests that this variant is likely to be disruptive. ClinVar contains an entry for this variant (Variation ID: 2030153). In summary, the available evidence is currently insufficient to determine the role of this variant in disease. Therefore, it has been classified as a Variant of Uncertain Significance.

NM_022772.4(EPS8L2):c.1118C>T (p.Ser373Phe)

Gene: EPS8L2 (EPS8 signaling adaptor L2; plus strand). Cytogenetic location: 11p15.5.
Variant type: single nucleotide variant.
Coding change: c.1118C>T on transcript NM_022772.4 (MANE Select); coding-DNA position 1118, C replaced by T.
Protein change: p.Ser373Phe; replaces serine 373 with phenylalanine.
Molecular consequence: missense variant.
Genome position (GRCh38, 1-based): chr11:722,459, C>T. VCF-style: chr11-722459-C-T. GRCh37 (hg19) VCF-style: chr11-722459-C-T.
Other names: short protein forms S373F.
Identifiers: ClinVar variation 2030153 (VCV002030153.4), dbSNP rs2494643901, ClinGen allele CA378971522.